The following is an entry in ClinVar:

NM_000020.3(ACVRL1):c.1459A>C (p.Lys487Gln)

Gene: ACVRL1 (activin A receptor like type 1; plus strand). Cytogenetic location: 12q13.13.
Variant type: single nucleotide variant.
Coding change: c.1459A>C on transcript NM_000020.3 (MANE Select); coding-DNA position 1459, A replaced by C.
Protein change: p.Lys487Gln; replaces lysine 487 with glutamine.
Molecular consequence: missense variant.
Genome position (GRCh38, 1-based): chr12:51,920,840, A>C. VCF-style: chr12-51920840-A-C. GRCh37 (hg19) VCF-style: chr12-52314624-A-C.
Other names: c.1459A>C, p.Lys487Gln (NM_001077401.2); short protein forms K487Q.
Identifiers: ClinVar variation 982453 (VCV000982453.1), dbSNP rs1940959530, ClinGen allele CA384905893.

ClinVar aggregate classification (germline): Likely pathogenic (1 of 4 stars; one submission).

Conditions:
Telangiectasia, hereditary hemorrhagic, type 2 (HHT2). Also called: Telangiectasia, hereditary hemorrhagic, type II; ACVRL1-Related Hereditary Hemorrhagic Telangiectasia. Identifiers: Orphanet 774, MedGen C1838163, MONDO:0010880, OMIM 600376. Disease mechanism: loss of function.

Submission:

NIHR Bioresource Rare Diseases, University of Cambridge
Classification: Likely pathogenic for Telangiectasia, hereditary hemorrhagic, type 2. Last evaluated: 2018-01-01. Review status: criteria provided, single submitter. Criteria: ACMG Guidelines, 2015. Collection method: research. Allele origin: unknown. Affected: yes. Observed: 1 variant allele.
Comment: PM2+PM1+PP4

Literature cited by the submitters: PubMed 32573726.